The following is an entry in ClinVar:

ClinVar aggregate classification (germline): Benign/Likely benign. Review status: criteria provided, multiple submitters, no conflicts (2 of 4 stars). 3 submissions from 3 submitters: Benign (1); Likely benign (2). Last evaluated 2024-04-15.

Conditions:
Familial adenomatous polyposis 1 (FAP1). Also called: FAMILIAL ADENOMATOUS POLYPOSIS 1, ATTENUATED; POLYPOSIS, ADENOMATOUS INTESTINAL. Identifiers: MedGen C2713442, MONDO:0021056, OMIM 175100. Disease mechanism: loss of function.
Hereditary cancer-predisposing syndrome. Also called: Tumor predisposition; Neoplastic Syndromes, Hereditary; Hereditary Cancer Syndrome; Hereditary neoplastic syndrome. Identifiers: Orphanet 140162, MedGen C0027672, MeSH D009386, MONDO:0015356.

Allele frequency attached by ClinVar (database versions not stated): TOPMed below 0.00001.

Submissions (3):

Labcorp Genetics (formerly Invitae), Labcorp
Classification: Likely benign for Familial adenomatous polyposis 1. Last evaluated: 2024-04-15. Review status: criteria provided, single submitter. Criteria: Invitae Variant Classification Sherloc (09022015). Collection method: clinical testing. Allele origin: germline.

Myriad Genetics, Inc.
Classification: Benign for Familial adenomatous polyposis 1. Last evaluated: 2024-03-28. Review status: criteria provided, single submitter. Criteria: Myriad Autosomal Dominant, Autosomal Recessive and X-Linked Classification Criteria (2023). Collection method: clinical testing. Allele origin: unknown.
Comment: This variant is considered benign. This variant is a silent/synonymous amino acid change and it is not expected to impact splicing.

Ambry Genetics
Classification: Likely benign for Hereditary cancer-predisposing syndrome. Last evaluated: 2022-02-23. Review status: criteria provided, single submitter. Criteria: Ambry Variant Classification Scheme 2023. Collection method: clinical testing. Allele origin: germline.

NM_000038.6(APC):c.4842G>A (p.Val1614=)

Gene: APC (APC regulator of Wnt signaling pathway; plus strand). Cytogenetic location: 5q22.2.
Variant type: single nucleotide variant.
Coding change: c.4842G>A on transcript NM_000038.6 (MANE Select); coding-DNA position 4842, G replaced by A.
Protein change: p.Val1614=; no amino-acid change (valine 1614 retained).
Molecular consequence: synonymous variant.
Genome position (GRCh38, 1-based): chr5:112,840,436, G>A. VCF-style: chr5-112840436-G-A. GRCh37 (hg19) VCF-style: chr5-112176133-G-A.
Other names: c.4842G>A, p.Val1614= (NM_001127510.3, NM_001354895.2); c.4788G>A, p.Val1596= (NM_001127511.3); c.4896G>A, p.Val1632= (NM_001354896.2); c.4872G>A, p.Val1624= (NM_001354897.2); c.4767G>A, p.Val1589= (NM_001354898.2); c.4758G>A, p.Val1586= (NM_001354899.2); c.4719G>A, p.Val1573= (NM_001354900.2); c.4665G>A, p.Val1555= (NM_001354901.2); and 5 more.
Identifiers: ClinVar variation 763341 (VCV000763341.12), dbSNP rs919961971, ClinGen allele CA125167789.